The following is an entry in ClinVar:

NM_001267550.2(TTN):c.102958del (p.Ile34320fs)

Genes: TTN (titin; minus strand), TTN-AS1 (TTN antisense RNA 1; plus strand). Cytogenetic location: 2q31.2.
Variant type: Deletion.
Coding change: c.102958del on transcript NM_001267550.2 (MANE Select); coding-DNA position 102958, one base deleted (A; older notation c.102958delA).
Protein change: p.Ile34320fs; shifts the reading frame from isoleucine 34320.
Molecular consequence: frameshift variant.
Genome position (GRCh38, 1-based): chr2:178,533,657, T deleted on the plus strand (A on the coding strand, the reverse complement: TTN is on the minus strand); the first of 2 consecutive T bases (chr2:178,533,657-178,533,658); deleting either gives the same sequence. VCF-style (leftmost placement, unchanged base first): chr2-178533656-AT-A. GRCh37 (hg19) VCF-style: chr2-179398383-AT-A.
Other names: c.98035del, p.Ile32679fs (NM_001256850.1); c.102957delA, p.Ile34320Serfs (NM_001267550.1); c.75763del, p.Ile25255fs (NM_003319.4); c.95254del, p.Ile31752fs (NM_133378.4); c.76138del, p.Ile25380fs (NM_133432.3); c.76339del, p.Ile25447fs (NM_133437.4); short protein forms I25255fs, I25380fs, I25447fs, I31752fs, I32679fs, I34320fs.
Identifiers: ClinVar variation 2507097 (VCV002507097.1), dbSNP rs2468502589, ClinGen allele CA2580614473.

ClinVar aggregate classification (germline): Likely pathogenic (1 of 4 stars; one submission).

Submission:

GeneDx
Classification: Likely pathogenic. Last evaluated: 2022-12-22. Review status: criteria provided, single submitter. Criteria: GeneDx Variant Classification Process June 2021. Collection method: clinical testing. Allele origin: germline. Affected: yes.
Comment: Identified in two unrelated patients with dilated cardiomyopathy in the published literature (Corden et al., 2019; Mazzarotto et al., 2020); Frameshift variant predicted to result in protein truncation or nonsense mediated decay in a gene for which loss of function is a known mechanism of disease; Not observed at significant frequency in large population cohorts (gnomAD); This variant is associated with the following publications: (PMID: 17444505, 31983221, 31251381)